The following is an entry in ClinVar:

ClinVar aggregate classification (germline): Likely benign. Review status: criteria provided, multiple submitters, no conflicts (2 of 4 stars). 2 submissions from 2 submitters: Likely benign (2). Last evaluated 2025-09-18.

Conditions:
CAD-related disorder. Also called: CAD-related condition.

gnomAD v4.1: 8 of 1,612,716 alleles (0.0005%); highest among the groups gnomAD compares: Non-Finnish European, 0.00068%; no homozygotes.

Submissions (2):

PreventionGenetics, part of Exact Sciences
Classification: Likely benign for CAD-related condition. Last evaluated: 2025-09-18. Review status: criteria provided, single submitter. Criteria: ACMG Guidelines, 2015. Collection method: clinical testing. Allele origin: germline.
Comment: This variant is classified as likely benign based on ACMG/AMP sequence variant interpretation guidelines (Richards et al. 2015 PMID: 25741868, with internal and published modifications).

Labcorp Genetics (formerly Invitae), Labcorp
Classification: Likely benign. Last evaluated: 2024-06-13. Review status: criteria provided, single submitter. Criteria: Invitae Variant Classification Sherloc (09022015). Collection method: clinical testing. Allele origin: germline.

NM_004341.5(CAD):c.5593+8T>G

Gene: CAD (carbamoyl-phosphate synthetase 2, aspartate transcarbamylase, and dihydroorotase; plus strand). Cytogenetic location: 2p23.3.
Variant type: single nucleotide variant.
Coding change: c.5593+8T>G on transcript NM_004341.5 (MANE Select); 8 bases into the intron after coding-DNA position 5593, T replaced by G.
Molecular consequence: intron variant.
Genome position (GRCh38, 1-based): chr2:27,240,369, T>G. VCF-style: chr2-27240369-T-G. GRCh37 (hg19) VCF-style: chr2-27463237-T-G.
Other names: c.5593+8T>G (NM_004341.4); c.5404+8T>G (NM_001306079.2).
Identifiers: ClinVar variation 2789322 (VCV002789322.4), dbSNP rs779993862, ClinGen allele CA44518627.